The following is an entry in ClinVar:

NM_033380.3(COL4A5):c.4171G>T (p.Gly1391Trp)

Gene: COL4A5 (collagen type IV alpha 5 chain; plus strand). Cytogenetic location: Xq22.3.
Variant type: single nucleotide variant.
Coding change: c.4171G>T on transcript NM_033380.3 (MANE Select); coding-DNA position 4171, G replaced by T.
Protein change: p.Gly1391Trp; replaces glycine 1391 with tryptophan.
Molecular consequence: missense variant.
Genome position (GRCh38, 1-based): chrX:108,681,843, G>T. VCF-style: chrX-108681843-G-T. GRCh37 (hg19) VCF-style: chrX-107925073-G-T.
Other names: c.4153G>T, p.Gly1385Trp (NM_000495.5); short protein forms G1385W, G1391W.
Identifiers: ClinVar variation 4525740 (VCV004525740.1).

ClinVar aggregate classification (germline): Likely pathogenic (1 of 4 stars; one submission).

Conditions:
X-linked Alport syndrome (ATS1). Also called: NEPHROPATHY AND DEAFNESS, X-LINKED; COL4A5-Related Nephropathy. Identifiers: Orphanet 63, Orphanet 88917, MedGen C4746986, MONDO:0010520, OMIM 301050.

Submission:

Women's Health and Genetics/Laboratory Corporation of America, LabCorp
Classification: Likely pathogenic for X-linked Alport syndrome. Last evaluated: 2025-07-21. Review status: criteria provided, single submitter. Criteria: LabCorp Variant Classification Summary - May 2015. Collection method: clinical testing. Allele origin: germline.
Comment: Variant summary: COL4A5 c.4153G>T (p.Gly1385Trp) results in a non-conservative amino acid change in the encoded protein sequence. This missense variant disrupts a glycine residue at position 1 of a Gly-X-Y repeat in the collagenous domain of the collagen IV alpha 5 chain and Alterations of glycine residues within the collagen triple-helix are common mechanisms of disease. Algorithms developed to predict the effect of missense changes on protein structure and function all suggest that this variant is likely to be disruptive. The variant was absent in 182539 control chromosomes. To our knowledge, no occurrence of c.4153G>T in individuals affected with Alport Syndrome 1, X-Linked Recessive and no experimental evidence demonstrating its impact on protein function have been reported. No submitters have cited clinical-significance assessments for this variant to ClinVar. Based on the evidence outlined above, the variant was classified as likely pathogenic.